The following is an entry in ClinVar:

ClinVar aggregate classification (germline): Uncertain significance (1 of 4 stars; one submission).

Conditions:
Limb-girdle muscular dystrophy due to POMK deficiency. Also called: Muscular dystrophy-dystroglycanopathy (limb-girdle), type c, 12; MUSCULAR DYSTROPHY-DYSTROGLYCANOPATHY, LIMB-GIRDLE, POMK-RELATED. Identifiers: Orphanet 445110, MedGen C4015184, MONDO:0014489, OMIM 616094.
Muscular dystrophy-dystroglycanopathy (congenital with brain and eye anomalies), type a, 12 (MDDGA12). Also called: WALKER-WARBURG SYNDROME OR MUSCLE-EYE-BRAIN DISEASE, POMK-RELATED. Identifiers: Orphanet 899, MedGen C3808964, MONDO:0014101, OMIM 615249.

Submission:

Labcorp Genetics (formerly Invitae), Labcorp
Classification: Uncertain significance for Muscular dystrophy-dystroglycanopathy (congenital with brain and eye anomalies), type a, 12; Limb-girdle muscular dystrophy due to POMK deficiency. Last evaluated: 2022-08-15. Review status: criteria provided, single submitter. Criteria: Invitae Variant Classification Sherloc (09022015). Collection method: clinical testing. Allele origin: germline.
Comment: In summary, the available evidence is currently insufficient to determine the role of this variant in disease. Therefore, it has been classified as a Variant of Uncertain Significance. ClinVar contains an entry for this variant (Variation ID: 851474). Algorithms developed to predict the effect of missense changes on protein structure and function (SIFT, PolyPhen-2, Align-GVGD) all suggest that this variant is likely to be tolerated. This sequence change replaces glutamic acid, which is acidic and polar, with glycine, which is neutral and non-polar, at codon 16 of the POMK protein (p.Glu16Gly). This variant is not present in population databases (gnomAD no frequency). This variant has not been reported in the literature in individuals affected with POMK-related conditions.

NM_032237.5(POMK):c.47A>G (p.Glu16Gly)

Gene: POMK (protein O-mannose kinase; plus strand). Cytogenetic location: 8p11.21.
Variant type: single nucleotide variant.
Coding change: c.47A>G on transcript NM_032237.5 (MANE Select); coding-DNA position 47, A replaced by G.
Protein change: p.Glu16Gly; replaces glutamic acid 16 with glycine.
Molecular consequence: missense variant.
Genome position (GRCh38, 1-based): chr8:43,103,595, A>G. VCF-style: chr8-43103595-A-G. GRCh37 (hg19) VCF-style: chr8-42958738-A-G.
Other names: c.47A>G, p.Glu16Gly (NM_001277971.2); short protein forms E16G.
Identifiers: ClinVar variation 851474 (VCV000851474.6), dbSNP rs1811486808, ClinGen allele CA371116642.